The following is an entry in ClinVar:

ClinVar aggregate classification (germline): Conflicting classifications of pathogenicity. Review status: criteria provided, conflicting classifications (1 of 4 stars). 2 submissions from 2 submitters: Uncertain significance (1); Likely benign (1). Last evaluated 2023-03-23.

Conditions:
Hereditary cancer-predisposing syndrome. Also called: Hereditary Cancer Syndrome; Tumor predisposition; Hereditary neoplastic syndrome; Neoplastic Syndromes, Hereditary. Identifiers: Orphanet 140162, MedGen C0027672, MeSH D009386, MONDO:0015356.

Submissions (2):

University of Washington Department of Laboratory Medicine, University of Washington
Classification: Likely benign for Hereditary cancer-predisposing syndrome. Last evaluated: 2023-03-23. Review status: criteria provided, single submitter. Criteria: Dines et al. (Genet Med. 2020). Collection method: curation. Allele origin: germline.
Comment: Missense variant in a coldspot region where missense variants are very unlikely to be pathogenic (PMID:31911673).

BRCA2 exon 11 coldspot. Reclassification based on statistical prior probability.

CeGaT Center for Human Genetics Tuebingen
Classification: Uncertain significance. Last evaluated: 2019-09-01. Review status: criteria provided, single submitter. Criteria: CeGaT Center For Human Genetics Tuebingen Variant Classification Criteria Version 2. Collection method: clinical testing. Allele origin: germline. Affected: yes. Observed: 1 variant allele.

NM_000059.4(BRCA2):c.5678G>A (p.Cys1893Tyr)

Gene: BRCA2 (BRCA2 DNA repair associated; plus strand). Cytogenetic location: 13q13.1.
Variant type: single nucleotide variant.
Coding change: c.5678G>A on transcript NM_000059.4 (MANE Select); coding-DNA position 5678, G replaced by A.
Protein change: p.Cys1893Tyr; replaces cysteine 1893 with tyrosine.
Molecular consequence: missense variant.
Genome position (GRCh38, 1-based): chr13:32,340,033, G>A. VCF-style: chr13-32340033-G-A. GRCh37 (hg19) VCF-style: chr13-32914170-G-A.
Other names: short protein forms C1893Y.
Identifiers: ClinVar variation 871803 (VCV000871803.43), dbSNP rs2072535635, ClinGen allele CA387786212.
Genomic context (GRCh38, chr13:32,340,033, plus strand): 5'-TAATTAAGGAAAACAACGAGAATAAATCAAAAATTTGCCAAACGAAAATTATGGCAGGTT[G>A]TTACGAGGCATTGGATGATTCAGAGGATATTCTTCATAACTCTCTAGATAATGATGAATG-3'
Protein context (NP_000050.3, residues 1883-1903): KICQTKIMAG[Cys1893Tyr]YEALDDSEDI